The following is an entry in ClinVar:

NM_000152.5(GAA):c.2210C>A (p.Thr737Asn)

Gene: GAA (alpha glucosidase; plus strand). Cytogenetic location: 17q25.3.
Variant type: single nucleotide variant.
Coding change: c.2210C>A on transcript NM_000152.5 (MANE Select); coding-DNA position 2210, C replaced by A.
Protein change: p.Thr737Asn; replaces threonine 737 with asparagine.
Molecular consequence: missense variant.
Genome position (GRCh38, 1-based): chr17:80,116,988, C>A. VCF-style: chr17-80116988-C-A. GRCh37 (hg19) VCF-style: chr17-78090787-C-A.
Other names: c.2210C>A, p.Thr737Asn (NM_001079803.3, NM_001079804.3); short protein forms T737N.
Identifiers: ClinVar variation 972796 (VCV000972796.4), dbSNP rs1381005435, ClinGen allele CA401324721.

ClinVar aggregate classification (germline): Conflicting classifications of pathogenicity. Review status: criteria provided, conflicting classifications (1 of 4 stars). 3 submissions from 3 submitters: Likely pathogenic (2); Uncertain significance (1). Last evaluated 2026-07-01.

Conditions:
Glycogen storage disease, type II (IOPD). Also called: CARDIOMEGALIA GLYCOGENICA DIFFUSA; Glycogen storage disease type 2; Acid maltase deficiency disease; Aglucosidase alfa; Deficiency of alpha-glucosidase; Deficiency of lysosomal alpha-glucosidase. Identifiers: Orphanet 365, MedGen C0017921, MONDO:0009290, OMIM 232300.

Allele frequency attached by ClinVar (database versions not stated): gnomAD exomes below 0.00001.
gnomAD v4.1: 1 of 1,613,816 alleles (0.000062%); highest among the groups gnomAD compares: African/African-American, 0.0013%; no homozygotes.

Submissions (3):

Genomenon, Inc
Classification: Uncertain significance for Glycogen storage disease, type II. Last evaluated: 2026-07-01. Review status: criteria provided, single submitter. Criteria: Genomenon Sequence Variant Interpretation Standards - Updated. Collection method: curation. Allele origin: germline.
Comment: GAA p.Thr737Asn (c.2210C>A) is a missense variant that changes the amino acid at codon 737 from Threonine to Asparagine. This variant has been reported in the compound heterozygous and/or homozygous state in an individual without a confirmed diagnosis of Pompe disease (PMID:18425781;22644586;22555271). At least one functional study has demonstrated a substantial alteration in protein function relative to the wild-type (PMID:22644586). It is absent or not present at a significant frequency in gnomAD. In conclusion, we classify GAA p.Thr737Asn (c.2210C>A) as a variant of uncertain significance.

Fulgent Genetics
Classification: Likely pathogenic for Glycogen storage disease, type II. Last evaluated: 2021-12-15. Review status: criteria provided, single submitter. Criteria: ACMG Guidelines, 2015. Collection method: clinical testing. Allele origin: unknown.

Broad Center for Mendelian Genomics, Broad Institute of MIT and Harvard
Classification: Likely pathogenic for Glycogen storage disease, type II. Last evaluated: 2020-01-22. Review status: criteria provided, single submitter. Criteria: ACMG Guidelines, 2015. Collection method: curation. Allele origin: germline. Inheritance: Autosomal recessive inheritance.
Comment: The p.Thr737Asn variant in GAA has been reported in two individuals with glycogen storage disease II (PMID: 22555271, 18425781) and has been identified in 0.006% (1/16224) of African chromosomes by the Genome Aggregation Database (gnomAD; dbSNP rs1381005435). Although this variant has been seen in the general population, its frequency is low enough to be consistent with a recessive carrier frequency. In vitro functional studies using cells transfected with the variant provide some evidence that the p.Thr737Asn variant may impact protein function (PMID: 22644586). However, these types of assays may not accurately represent biological function. Computational prediction tools and conservation analyses do not provide strong support for or against an impact to the protein. This variant has been reported in combination with reported pathogenic variant c.525delT and in an individual with glycogen storage disease II (VariationID: 4033, PMID: 22555271). In summary, although additional studies are required to fully establish its clinical significance, this variant is likely pathogenic. ACMG/AMP Criteria applied: PS3, PM2 (Richards 2015).

Literature cited by the submitters: PubMed 18425781 (cited by Genomenon, Inc); PubMed 22644586 (cited by Genomenon, Inc and Broad Center for Mendelian Genomics, Broad Institute of MIT and Harvard); PubMed 22555271 (cited by Genomenon, Inc).